The following is an entry in ClinVar:

NM_001128178.3(NPHP1):c.452G>C (p.Trp151Ser)

Gene: NPHP1 (nephrocystin 1; minus strand). Cytogenetic location: 2q13.
Variant type: single nucleotide variant.
Coding change: c.452G>C on transcript NM_001128178.3 (MANE Select); coding-DNA position 452, G replaced by C.
Protein change: p.Trp151Ser; replaces tryptophan 151 with serine.
Molecular consequence: missense variant.
Genome position (GRCh38, 1-based): chr2:110,169,876, C>G on the plus strand (G>C on the coding strand, the complement: NPHP1 is on the minus strand). VCF-style: chr2-110169876-C-G. GRCh37 (hg19) VCF-style: chr2-110927453-C-G.
Other names: c.452G>C, p.Trp151Ser (NM_000272.5, NM_001374256.1, NM_001374257.1 and 1 more transcripts); c.266G>C, p.Trp89Ser (NM_001128179.3); short protein forms W151S, W89S.
Identifiers: ClinVar variation 1462126 (VCV001462126.8), dbSNP rs894279022, ClinGen allele CA348092926.

ClinVar aggregate classification (germline): Uncertain significance (1 of 4 stars; one submission).

Conditions:
Nephronophthisis. Also called: Juvenile Nephronophthisis. Identifiers: Orphanet 655, MedGen C0687120, MONDO:0019005, HP:0000090.

Submission:

Labcorp Genetics (formerly Invitae), Labcorp
Classification: Uncertain significance for Nephronophthisis. Last evaluated: 2022-02-02. Review status: criteria provided, single submitter. Criteria: Invitae Variant Classification Sherloc (09022015). Collection method: clinical testing. Allele origin: germline.
Comment: Algorithms developed to predict the effect of missense changes on protein structure and function (SIFT, PolyPhen-2, Align-GVGD) all suggest that this variant is likely to be tolerated. In summary, the available evidence is currently insufficient to determine the role of this variant in disease. Therefore, it has been classified as a Variant of Uncertain Significance. This variant has not been reported in the literature in individuals affected with NPHP1-related conditions. This variant is not present in population databases (gnomAD no frequency). This sequence change replaces tryptophan, which is neutral and slightly polar, with serine, which is neutral and polar, at codon 151 of the NPHP1 protein (p.Trp151Ser).